The following is an entry in ClinVar:

NM_032271.3(TRAF7):c.1774G>A (p.Val592Met)

Gene: TRAF7 (TNF receptor associated factor 7; plus strand). Cytogenetic location: 16p13.3.
Variant type: single nucleotide variant.
Coding change: c.1774G>A on transcript NM_032271.3 (MANE Select); coding-DNA position 1774, G replaced by A.
Protein change: p.Val592Met; replaces valine 592 with methionine.
Molecular consequence: missense variant.
Genome position (GRCh38, 1-based): chr16:2,176,076, G>A. VCF-style: chr16-2176076-G-A. GRCh37 (hg19) VCF-style: chr16-2226077-G-A.
Other names: short protein forms V592M.
Identifiers: ClinVar variation 4852304 (VCV004852304.1).
Genomic context (GRCh38, chr16:2,176,076, plus strand): 5'-TGTCTTTGACCTGCCTGTGCCCACCCCTCCCAGGTGTGGGACATTGAGTCCAAGGAGCAG[G>A]TGCGGACCCTCACGGGCCACGTGGGCACCGTGTATGCCCTGGCGGTCATCTCGACGCCAG-3'
Protein context (NP_115647.2, residues 582-602): HVWDIESKEQ[Val592Met]RTLTGHVGTV

ClinVar aggregate classification (germline): Likely benign (1 of 4 stars; one submission).

Conditions:
Cardiac, facial, and digital anomalies with developmental delay. Identifiers: Orphanet 592570, MedGen C4748484, MONDO:0032572, OMIM 618164.

gnomAD v4.1: 2 of 1,610,840 alleles (0.00012%); highest among the groups gnomAD compares: Non-Finnish European, 0.00017%; no homozygotes.

Submission:

Centre for Medical Genetics,  Mumbai
Classification: Likely benign for Cardiac, facial, and digital anomalies with developmental delay. Last evaluated: 2026-05-13. Review status: criteria provided, single submitter. Criteria: ACMG Guidelines, 2015. Collection method: provider interpretation. Allele origin: germline. Inheritance: Autosomal dominant inheritance. Affected: no. Observed: 1 variant allele, 1 heterozygote.
Comment: The variant satisfies PM2 criteria - extremely low frequency in gnomAD population databases. The variant satisfies PP2 criteria - missense variant in a gene with low rate of benign missense mutations and for which missense mutation is a common mechanism of a disease. However, the variant satisfies BS2 criteria - present in heterozygous state in an individual that clinically does not have cardiac, facial, and digital anomalies with developmental delay.

Literature cited by the submitters: PubMed 29961569.